The following is an entry in ClinVar:

NM_000428.3(LTBP2):c.4954C>T (p.Arg1652Trp)

Gene: LTBP2 (latent transforming growth factor beta binding protein 2; minus strand). Cytogenetic location: 14q24.3.
Variant type: single nucleotide variant.
Coding change: c.4954C>T on transcript NM_000428.3 (MANE Select); coding-DNA position 4954, C replaced by T.
Protein change: p.Arg1652Trp; replaces arginine 1652 with tryptophan.
Molecular consequence: missense variant.
Genome position (GRCh38, 1-based): chr14:74,502,869, G>A on the plus strand (C>T on the coding strand, the complement: LTBP2 is on the minus strand). VCF-style: chr14-74502869-G-A. GRCh37 (hg19) VCF-style: chr14-74969572-G-A.
Other names: c.4954C>T (NM_000428.2); short protein forms R1652W.
Identifiers: ClinVar variation 2421505 (VCV002421505.4), dbSNP rs142182623, ClinGen allele CA7268567.

ClinVar aggregate classification (germline): Uncertain significance. Review status: criteria provided, multiple submitters, no conflicts (2 of 4 stars). 2 submissions from 2 submitters: Uncertain significance (2). Last evaluated 2023-02-22.

Conditions:
Inborn genetic diseases. Identifiers: MedGen C0950123, MeSH D030342.

Allele frequency attached by ClinVar (database versions not stated): gnomAD exomes 0.00002; ExAC 0.00011; TOPMed 0.00011; ESP Exome Variant Server 0.00015; gnomAD 0.00015; 1000 Genomes Project 30x 0.00031; 1000 Genomes Project 0.00040.
gnomAD v4.1: 50 of 1,613,828 alleles (0.0031%); highest among the groups gnomAD compares: African/African-American, 0.044%; no homozygotes.

Submissions (2):

Ambry Genetics
Classification: Uncertain significance for Inborn genetic diseases. Last evaluated: 2023-02-22. Review status: criteria provided, single submitter. Criteria: Ambry Variant Classification Scheme 2023. Collection method: clinical testing. Allele origin: germline.

Labcorp Genetics (formerly Invitae), Labcorp
Classification: Uncertain significance. Last evaluated: 2022-07-25. Review status: criteria provided, single submitter. Criteria: Invitae Variant Classification Sherloc (09022015). Collection method: clinical testing. Allele origin: germline.
Comment: This sequence change replaces arginine, which is basic and polar, with tryptophan, which is neutral and slightly polar, at codon 1652 of the LTBP2 protein (p.Arg1652Trp). This variant is present in population databases (rs142182623, gnomAD 0.05%). This variant has not been reported in the literature in individuals affected with LTBP2-related conditions. Algorithms developed to predict the effect of missense changes on protein structure and function (SIFT, PolyPhen-2, Align-GVGD) all suggest that this variant is likely to be disruptive. In summary, the available evidence is currently insufficient to determine the role of this variant in disease. Therefore, it has been classified as a Variant of Uncertain Significance.